The following is an entry in ClinVar:

NM_001256715.2(DNAAF3):c.832G>A (p.Ala278Thr)

Genes: DNAAF3 (dynein axonemal assembly factor 3; minus strand), DNAAF3-AS1 (DNAAF3 antisense RNA 1; plus strand). Cytogenetic location: 19q13.42.
Variant type: single nucleotide variant.
Coding change: c.832G>A on transcript NM_001256715.2 (MANE Select); coding-DNA position 832, G replaced by A.
Protein change: p.Ala278Thr; replaces alanine 278 with threonine.
Molecular consequence: missense variant.
Genome position (GRCh38, 1-based): chr19:55,161,145, C>T on the plus strand (G>A on the coding strand, the complement: DNAAF3 is on the minus strand). VCF-style: chr19-55161145-C-T. GRCh37 (hg19) VCF-style: chr19-55672513-C-T.
Other names: c.1036G>A, p.Ala346Thr (NM_001256714.1); c.670G>A, p.Ala224Thr (NM_001256716.2); c.973G>A, p.Ala325Thr (NM_178837.4); short protein forms A325T, A346T, A278T, A224T.
Identifiers: ClinVar variation 330215 (VCV000330215.51), dbSNP rs200775946, ClinGen allele CA9668037.

ClinVar aggregate classification (germline): Conflicting classifications of pathogenicity. Review status: criteria provided, conflicting classifications (1 of 4 stars). 6 submissions from 6 submitters: Uncertain significance (1); Benign (1); Likely benign (3). 1 of the submissions does not count toward it. Last evaluated 2026-08-01.

Conditions:
Primary ciliary dyskinesia. Also called: Ciliary dyskinesia. Identifiers: Orphanet 244, MedGen C0008780, MONDO:0016575, HP:0012265.
DNAAF3-related disorder. Also called: DNAAF3-related condition.

Allele frequency attached by ClinVar (database versions not stated): gnomAD 0.00187 and 0.00192; ExAC 0.00196; gnomAD exomes 0.00251 and 0.00172; 1000 Genomes Project 0.00080; ESP Exome Variant Server 0.00106; 1000 Genomes Project 30x 0.00109; TOPMed 0.00147.
gnomAD v4.1: 3,801 of 1,553,668 alleles (0.24%); highest among the groups gnomAD compares: Non-Finnish European, 0.28%; 14 homozygotes.

Submissions (6):

CeGaT Center for Human Genetics Tuebingen
Classification: Likely benign. Last evaluated: 2026-08-01. Review status: criteria provided, single submitter. Criteria: CeGaT Center For Human Genetics Tuebingen Variant Classification Criteria Version 2. Collection method: clinical testing. Allele origin: germline. Affected: yes. Observed: 6 variant alleles.
Comment: DNAAF3: BS2

Labcorp Genetics (formerly Invitae), Labcorp
Classification: Likely benign for Primary ciliary dyskinesia. Last evaluated: 2026-01-23. Review status: criteria provided, single submitter. Criteria: Invitae Variant Classification Sherloc (09022015). Collection method: clinical testing. Allele origin: germline.

Blueprint Genetics
Classification: Likely benign. Last evaluated: 2024-11-19. Review status: criteria provided, single submitter. Criteria: ACMG Guidelines, 2015. Collection method: clinical testing. Allele origin: germline.

Eurofins Ntd Llc (ga)
Classification: Uncertain significance. Last evaluated: 2016-10-16. Review status: criteria provided, single submitter. Criteria: EGL Classification Definitions 2015. Collection method: clinical testing. Allele origin: germline. Observed: 1 variant allele, 1 heterozygote.

Ambry Genetics
Classification: Benign for Primary ciliary dyskinesia. Last evaluated: 2016-09-28. Review status: criteria provided, single submitter. Criteria: Ambry Variant Classification Scheme 2023. Collection method: clinical testing. Allele origin: germline.

PreventionGenetics, part of Exact Sciences
Classification: Likely benign for DNAAF3-related condition. Last evaluated: 2023-08-09. Review status: no assertion criteria provided. Collection method: clinical testing. Allele origin: germline. Not counted in ClinVar's aggregate classification.
Comment: This variant is classified as likely benign based on ACMG/AMP sequence variant interpretation guidelines (Richards et al. 2015 PMID: 25741868, with internal and published modifications).